The following is an entry in ClinVar:

NM_004656.4(BAP1):c.1268C>A (p.Thr423Lys)

Gene: BAP1 (BRCA1 associated deubiquitinase 1; minus strand). Cytogenetic location: 3p21.1.
Variant type: single nucleotide variant.
Coding change: c.1268C>A on transcript NM_004656.4 (MANE Select); coding-DNA position 1268, C replaced by A.
Protein change: p.Thr423Lys; replaces threonine 423 with lysine.
Molecular consequence: missense variant.
Genome position (GRCh38, 1-based): chr3:52,403,877, G>T on the plus strand (C>A on the coding strand, the complement: BAP1 is on the minus strand). VCF-style: chr3-52403877-G-T. GRCh37 (hg19) VCF-style: chr3-52437893-G-T.
Other names: c.1268C>A (LRG_529t1); short protein forms T423K.
Identifiers: ClinVar variation 240045 (VCV000240045.32), dbSNP rs115109161, ClinGen allele CA2436837.
Genomic context (GRCh38, chr3:52,403,877, plus strand): 5'-TTGGGCTGCAGCACTGACAGTTGCCCATCAGCAGAACCGCTCAATGCCCCTGGCTTCCCT[G>T]TTCCCTTCCCCTTATACCTGTGGGGCCCGAGAAGATGTGAAGCAAGGGAACGGGCCAGGT-3'
Protein context (NP_004647.1, residues 413-433): NSALRYKGKG[Thr423Lys]GKPGALSGSA

ClinVar aggregate classification (germline): Benign/Likely benign. Review status: criteria provided, multiple submitters, no conflicts (2 of 4 stars). 13 submissions from 12 submitters: Benign (6); Likely benign (7). Last evaluated 2026-09-01.

Conditions:
Melanoma, uveal, susceptibility to, 2 (UVM2). Also called: Melanoma, uveal 2. Identifiers: Orphanet 39044, MedGen C1847723, MONDO:0011696, OMIM 606661.
Hereditary cancer-predisposing syndrome. Also called: Hereditary neoplastic syndrome; Hereditary Cancer Syndrome; Neoplastic Syndromes, Hereditary; Tumor predisposition. Identifiers: Orphanet 140162, MedGen C0027672, MeSH D009386, MONDO:0015356.
BAP1-related tumor predisposition syndrome (TPDS1). Also called: COMMON Syndrome; TUMOR PREDISPOSITION SYNDROME 1; BAP1 tumor predisposition syndrome; Tumor susceptibility linked to germline BAP1 mutations. Identifiers: Orphanet 289539, MedGen C3280492, MONDO:0013692, OMIM 614327.

Allele frequency attached by ClinVar (database versions not stated): gnomAD exomes 0.00013 and 0.00038; ExAC 0.00044; ESP Exome Variant Server 0.00092; TOPMed 0.00159; gnomAD 0.00166; 1000 Genomes Project 0.00319; 1000 Genomes Project 30x 0.00375.

Submissions (13):

CeGaT Center for Human Genetics Tuebingen
Classification: Likely benign. Last evaluated: 2026-09-01. Review status: criteria provided, single submitter. Criteria: CeGaT Center For Human Genetics Tuebingen Variant Classification Criteria Version 2. Collection method: clinical testing. Allele origin: germline. Affected: yes. Observed: 1 variant allele.
Comment: BAP1: BP4, BS1

Labcorp Genetics (formerly Invitae), Labcorp
Classification: Benign for BAP1-related tumor predisposition syndrome. Last evaluated: 2026-02-03. Review status: criteria provided, single submitter. Criteria: Invitae Variant Classification Sherloc (09022015). Collection method: clinical testing. Allele origin: germline.

Dasa
Classification: Likely benign for BAP1-related tumor predisposition syndrome. Last evaluated: 2026-01-01. Review status: criteria provided, single submitter. Criteria: DASA Assertion Criteria. Collection method: clinical testing. Allele origin: germline.
Comment: NM_004656.4(BAP1):c.1268C>A (p.Thr423Lys) is a missense variant that results in the substitution of threonine with lysine. Population frequency is inconsistent with a disease-causing role for this variant, and the variant context is inconsistent with a known disease-causing mechanism. Therefore, based on the currently available evidence, this variant is classified as likely benign.

KCCC/NGS Laboratory, Kuwait Cancer Control Center
Classification: Benign for BAP1-related tumor predisposition syndrome. Last evaluated: 2025-02-01. Review status: criteria provided, single submitter. Criteria: ACMG Guidelines, 2015. Collection method: clinical testing. Allele origin: germline. Affected: no.

Department of Pathology and Laboratory Medicine, Sinai Health System
Classification: Likely benign for BAP1-related tumor predisposition syndrome. Last evaluated: 2024-12-27. Review status: criteria provided, single submitter. Criteria: ACMG Guidelines, 2015. Collection method: clinical testing. Allele origin: germline.

Myriad Genetics, Inc.
Classification: Likely benign for BAP1-related tumor predisposition syndrome. Last evaluated: 2024-07-16. Review status: criteria provided, single submitter. Criteria: Myriad Autosomal Dominant, Autosomal Recessive and X-Linked Classification Criteria (2023). Collection method: clinical testing. Allele origin: unknown.
Comment: This variant is considered likely benign. Homozygosity has been confirmed in one or more individuals. As homozygosity for pathogenic variants in this gene is generally assumed to result in embryonic lethality, this variant is unlikely to be pathogenic.

KCCC/NGS Laboratory, Kuwait Cancer Control Center
Classification: Benign for Melanoma, uveal, susceptibility to, 2. Last evaluated: 2023-07-07. Review status: criteria provided, single submitter. Criteria: ACMG Guidelines, 2015. Collection method: clinical testing. Allele origin: germline. Affected: yes.

Sema4
Classification: Benign for Hereditary cancer-predisposing syndrome. Last evaluated: 2021-11-23. Review status: criteria provided, single submitter. Criteria: Sema4 Curation Guidelines. Collection method: curation. Allele origin: germline.

GeneDx
Classification: Likely benign. Last evaluated: 2020-10-13. Review status: criteria provided, single submitter. Criteria: GeneDx Variant Classification Process June 2021. Collection method: clinical testing. Allele origin: germline. Affected: yes.
Comment: This variant is associated with the following publications: (PMID: 28873162)

Genetic Services Laboratory, University of Chicago
Classification: Benign. Last evaluated: 2019-07-12. Review status: criteria provided, single submitter. Criteria: ACMG Guidelines, 2015. Collection method: clinical testing. Allele origin: germline. Affected: no.

Ambry Genetics
Classification: Likely benign for Hereditary cancer-predisposing syndrome. Last evaluated: 2018-08-16. Review status: criteria provided, single submitter. Criteria: Ambry Variant Classification Scheme 2023. Collection method: clinical testing. Allele origin: germline.

Illumina Laboratory Services, Illumina
Classification: Benign for BAP1-related tumor predisposition syndrome. Last evaluated: 2018-01-12. Review status: criteria provided, single submitter. Criteria: ICSL Variant Classification Criteria 13 December 2019. Collection method: clinical testing. Allele origin: germline.
Comment: This variant was observed in the ICSL laboratory as part of a predisposition screen in an ostensibly healthy population. It had not been previously curated by ICSL or reported in the Human Gene Mutation Database (HGMD: prior to June 1st, 2018), and was therefore a candidate for classification through an automated scoring system. Utilizing variant allele frequency, disease prevalence and penetrance estimates, and inheritance mode, an automated score was calculated to assess if this variant is too frequent to cause the disease. Based on the score and internal cut-off values, a variant classified as benign is not then subjected to further curation. The score for this variant resulted in a classification of benign for this disease.

Color Diagnostics, LLC DBA Color Health
Classification: Likely benign for Hereditary cancer-predisposing syndrome. Last evaluated: 2015-03-23. Review status: criteria provided, single submitter. Criteria: ACMG Guidelines, 2015. Collection method: clinical testing. Allele origin: germline.